The following is an entry in ClinVar:

ClinVar aggregate classification (germline): Benign (1 of 4 stars; one submission).

Conditions:
Juvenile polyposis syndrome (JPS). Identifiers: Orphanet 2929, MedGen C0345893, MONDO:0017380, OMIM 174900.

Submission:

Myriad Genetics, Inc.
Classification: Benign for Juvenile polyposis syndrome. Last evaluated: 2024-07-31. Review status: criteria provided, single submitter. Criteria: Myriad Autosomal Dominant, Autosomal Recessive and X-Linked Classification Criteria (2023). Collection method: clinical testing. Allele origin: unknown.
Comment: This variant is considered benign. This variant is intronic and is not expected to impact mRNA splicing.

NM_004329.3(BMPR1A):c.231-19_231-18dup

Gene: BMPR1A (bone morphogenetic protein receptor type 1A; plus strand). Cytogenetic location: 10q23.2.
Variant type: Duplication.
Coding change: c.231-19_231-18dup on transcript NM_004329.3 (MANE Select); 19 bases into the intron before coding-DNA position 231 through 18 bases into the intron before coding-DNA position 231, 2 bases duplicated (TT; older notation c.231-19_231-18dupTT).
Molecular consequence: intron variant.
Genome position (GRCh38, 1-based): chr10:86,892,108-86,892,109, TT duplicated; duplicating any 2 consecutive bases within chr10:86,892,106-86,892,109 gives the same sequence; the c. name uses the placement nearest the transcript's 3' end. VCF-style (leftmost placement, unchanged base first): chr10-86892105-G-GTT. GRCh37 (hg19) VCF-style: chr10-88651862-G-GTT.
Other names: c.231-19_231-18dup (NM_001406562.1, NM_001406568.1, NM_001406567.1 and 23 more transcripts); c.147-19_147-18dup (NM_001406584.1, NM_001406588.1, NM_001406587.1 and 2 more transcripts).
Identifiers: ClinVar variation 3378937 (VCV003378937.1).